The following is an entry in ClinVar:

NM_001034853.2(RPGR):c.2176G>T (p.Glu726Ter)

Gene: RPGR (retinitis pigmentosa GTPase regulator; minus strand). Cytogenetic location: Xp11.4.
Variant type: single nucleotide variant.
Coding change: c.2176G>T on transcript NM_001034853.2 (MANE Select); coding-DNA position 2176, G replaced by T.
Protein change: p.Glu726Ter; replaces glutamic acid 726 with a stop codon.
Molecular consequence: nonsense. On other transcripts: intron variant (8).
Genome position (GRCh38, 1-based): chrX:38,286,823, C>A on the plus strand (G>T on the coding strand, the complement: RPGR is on the minus strand). VCF-style: chrX-38286823-C-A. GRCh37 (hg19) VCF-style: chrX-38146076-C-A.
Other names: NM_001034853.2:c.2176G>T; c.1569+4136G>T (NM_001367249.1, NM_001367250.1); c.1902+271G>T (NM_001367245.1); c.1386+4136G>T (NM_001367251.1); c.1719+271G>T (NM_001367246.1); c.1572+4136G>T (NM_001367247.1); c.1905+271G>T (NM_000328.3); c.1602+4136G>T (NM_001367248.1); short protein forms E726*.
Identifiers: ClinVar variation 4072389 (VCV004072389.2).

ClinVar aggregate classification (germline): Pathogenic. Review status: reviewed by expert panel (3 of 4 stars). 2 submissions from 2 submitters: Pathogenic (1). 1 of the submissions does not count toward it. Last evaluated 2025-08-03.

Conditions:
RPGR-related disorder. Also called: RPGR-related condition.
RPGR-related retinopathy. Also called: RPGR retinopathy. Identifiers: MedGen CN305589, MONDO:0100437.

Submissions (2):

ClinGen X-linked Inherited Retinal Disease Variant Curation Expert Panel, ClinGen
Classification: Pathogenic for RPGR-related retinopathy. Last evaluated: 2025-08-03. Review status: reviewed by expert panel. Criteria: ClinGen X LinkedIRD ACMG Specifications RPGR V1.0.0. Collection method: curation. Allele origin: germline. Inheritance: X-linked inheritance.
Comment: NM_001034853.2(RPGR):c.2176G>T (p.Glu726Ter) is a nonsense variant that substitutes a premature stop codon for amino acid 726 within exon 15 of 15, which disrupts a critical C-terminal region required for proper glutamylation of RPGR (PVS1, PMID: 36445968). This variant is absent from gnomAD v4.1.0 (PM2_Supporting). This variant has been reported in at least 2 apparently unrelated probands meeting one of the PS4 requirements of a male with some functional vision impairment by age 30 years and/or decreased or absent electroretinogram responses, or a female with functional visual abnormality and documentation of a male relative affected with retinitis pigmentosa (PMID: 21857984, PMID: 17325176, PS4_Supporting). In summary, this variant is classified as pathogenic for RPGR-related retinopathy based on the ClinGen X-linked Inherited Retinal Disease Expert Panel Specifications to the ACMG/AMP Variant Interpretation Guidelines for RPGR Version 1.0.0; PVS1, PS4_Supporting, and PM2_Supporting. (date of approval 05/16/2025).

Blueprint Genetics
Classification: Pathogenic for RPGR-related disorders. Last evaluated: 2017-07-27. Review status: criteria provided, single submitter. Criteria: ACMG Guidelines, 2015. Collection method: clinical testing. Allele origin: germline. Affected: yes. Observed: 1 variant allele. Not counted in ClinVar's aggregate classification.